The following is an entry in ClinVar:

NM_001378454.1(ALMS1):c.7820C>G (p.Ala2607Gly)

Gene: ALMS1 (ALMS1 centrosome and basal body associated protein; plus strand). Cytogenetic location: 2p13.1.
Variant type: single nucleotide variant.
Coding change: c.7820C>G on transcript NM_001378454.1 (MANE Select); coding-DNA position 7820, C replaced by G.
Protein change: p.Ala2607Gly; replaces alanine 2607 with glycine.
Molecular consequence: missense variant.
Genome position (GRCh38, 1-based): chr2:73,489,779, C>G. VCF-style: chr2-73489779-C-G. GRCh37 (hg19) VCF-style: chr2-73716906-C-G.
Other names: c.7823C>G, p.Ala2608Gly (NM_015120.4); short protein forms A2608G, A2607G.
Identifiers: ClinVar variation 373269 (VCV000373269.19), dbSNP rs140223281, ClinGen allele CA1714355.

ClinVar aggregate classification (germline): Conflicting classifications of pathogenicity. Review status: criteria provided, conflicting classifications (1 of 4 stars). 8 submissions from 8 submitters: Uncertain significance (2); Likely benign (4). 2 of the submissions do not count toward it. Last evaluated 2026-04-01.

Conditions:
Alstrom syndrome (ALMS). Identifiers: Orphanet 64, MedGen C0268425, MONDO:0008763, OMIM 203800.
Cardiovascular phenotype. Identifiers: MedGen CN230736.

Allele frequency attached by ClinVar (database versions not stated): TOPMed 0.00020; ESP Exome Variant Server 0.00025; 1000 Genomes Project 30x 0.00031; gnomAD 0.00034; gnomAD exomes 0.00052; ExAC 0.00059.
gnomAD v4.1: 750 of 1,614,150 alleles (0.046%); highest among the groups gnomAD compares: Non-Finnish European, 0.049%; no homozygotes.

Submissions (8):

CeGaT Center for Human Genetics Tuebingen
Classification: Likely benign. Last evaluated: 2026-04-01. Review status: criteria provided, single submitter. Criteria: CeGaT Center For Human Genetics Tuebingen Variant Classification Criteria Version 2. Collection method: clinical testing. Allele origin: germline. Affected: yes. Observed: 1 variant allele.
Comment: ALMS1: BP4

Labcorp Genetics (formerly Invitae), Labcorp
Classification: Likely benign for Alstrom syndrome. Last evaluated: 2026-02-04. Review status: criteria provided, single submitter. Criteria: Invitae Variant Classification Sherloc (09022015). Collection method: clinical testing. Allele origin: germline.

Women's Health and Genetics/Laboratory Corporation of America, LabCorp
Classification: Uncertain significance. Last evaluated: 2025-07-18. Review status: criteria provided, single submitter. Criteria: LabCorp Variant Classification Summary - May 2015. Collection method: clinical testing. Allele origin: germline.
Comment: Variant summary: ALMS1 c.7817C>G (p.Ala2606Gly) results in a non-conservative amino acid change in the encoded protein sequence. Algorithms developed to predict the effect of missense changes on protein structure and function are either unavailable or do not agree on the potential impact of this missense change. The variant allele was found at a frequency of 0.00052 in 249552 control chromosomes. This frequency is not significantly higher than estimated for a pathogenic variant in ALMS1 causing Alstrom syndrome (0.00052 vs 0.0035), allowing no conclusion about variant significance. c.7817C>G has been observed in a survivor of unexplained cardiac arrest (e.g. Grondin_2022). These report(s) do not provide unequivocal conclusions about association of the variant with Alstrom syndrome. To our knowledge, no experimental evidence demonstrating an impact on protein function has been reported. The following publication has been ascertained in the context of this evaluation (PMID: 35352813). ClinVar contains an entry for this variant (Variation ID: 373269). Based on the evidence outlined above, the variant was classified as uncertain significance.

Blueprint Genetics
Classification: Likely benign. Last evaluated: 2024-11-11. Review status: criteria provided, single submitter. Criteria: ACMG Guidelines, 2015. Collection method: clinical testing. Allele origin: germline.

Ambry Genetics
Classification: Likely benign for Cardiovascular phenotype. Last evaluated: 2021-09-02. Review status: criteria provided, single submitter. Criteria: Ambry Variant Classification Scheme 2023. Collection method: clinical testing. Allele origin: germline.

GeneDx
Classification: Uncertain significance. Last evaluated: 2016-11-21. Review status: criteria provided, single submitter. Criteria: GeneDx Variant Classification (06012015). Collection method: clinical testing. Allele origin: germline. Affected: yes.
Comment: A variant of uncertain significance has been identified in the ALMS1 gene. The A2608G variant has not been published as a pathogenic variant, nor has it been reported as a benign variant to our knowledge. The A2608G variant was not observed with any significant frequency in approximately 6100 individuals of European and African American ancestry in the NHLBI Exome Sequencing Project, indicating it is not a common benign variant in these populations. Nevertheless, the A2608G variant is a conservative amino acid substitution, which is not likely to impact secondary protein structure as these residues share similar properties, and this substitution occurs at a position that is not conserved across species. Additionlly, in silico analysis predicts this variant likely does not alter the protein structure/function.

Clinical Genetics, Academic Medical Center
Classification: Likely benign. Review status: no assertion criteria provided. Collection method: clinical testing. Allele origin: germline. Affected: yes. Study: VKGL Data-share Consensus. Not counted in ClinVar's aggregate classification.

Genome Diagnostics Laboratory, University Medical Center Utrecht
Classification: Likely benign. Review status: no assertion criteria provided. Collection method: clinical testing. Allele origin: germline. Affected: yes. Study: VKGL Data-share Consensus. Not counted in ClinVar's aggregate classification.

Literature cited by the submitters: PubMed 35352813 (cited by Women's Health and Genetics/Laboratory Corporation of America, LabCorp).